The following is an entry in ClinVar:

NM_001267550.2(TTN):c.6098del (p.Lys2033fs)

Gene: TTN (titin; minus strand). Cytogenetic location: 2q31.2.
Variant type: Deletion.
Coding change: c.6098del on transcript NM_001267550.2 (MANE Select); coding-DNA position 6098, one base deleted (A; older notation c.6098delA).
Protein change: p.Lys2033fs; shifts the reading frame from lysine 2033.
Molecular consequence: frameshift variant.
Genome position (GRCh38, 1-based): chr2:178,775,766, T deleted on the plus strand (A on the coding strand, the reverse complement: TTN is on the minus strand); the first of 2 consecutive T bases (chr2:178,775,766-178,775,767); deleting either gives the same sequence. VCF-style (leftmost placement, unchanged base first): chr2-178775765-CT-C. GRCh37 (hg19) VCF-style: chr2-179640492-CT-C.
Other names: c.6098del, p.Lys2033fs (NM_001256850.1, NM_133378.4, NM_133379.5); c.5960del, p.Lys1987fs (NM_003319.4, NM_133432.3, NM_133437.4); short protein forms K1987fs, K2033fs.
Identifiers: ClinVar variation 1284309 (VCV001284309.5), dbSNP rs2154345845, ClinGen allele CA2499215499.

ClinVar aggregate classification (germline): Likely pathogenic. Review status: criteria provided, single submitter (1 of 4 stars). 3 submissions from 3 submitters: Likely pathogenic (1). 2 of the submissions do not count toward it. Last evaluated 2024-05-26.

Conditions:
Dilated cardiomyopathy 1G (CMD1G). Identifiers: Orphanet 154, MedGen C1858763, MONDO:0011400, OMIM 604145.
Autosomal recessive limb-girdle muscular dystrophy type 2J (LGMDR10). Also called: MUSCULAR DYSTROPHY, LIMB-GIRDLE, AUTOSOMAL RECESSIVE 10; Limb-girdle muscular dystrophy, type 2J. Identifiers: Orphanet 140922, MedGen C1837342, MONDO:0012127, OMIM 608807.

Submissions (3):

Labcorp Genetics (formerly Invitae), Labcorp
Classification: Likely pathogenic for Dilated cardiomyopathy 1G; Autosomal recessive limb-girdle muscular dystrophy type 2J. Last evaluated: 2024-05-26. Review status: criteria provided, single submitter. Criteria: Invitae Variant Classification Sherloc (09022015). Collection method: clinical testing. Allele origin: germline.
Comment: This sequence change creates a premature translational stop signal (p.Lys2033Argfs*13) in the TTN gene. While this is not anticipated to result in nonsense mediated decay, it is expected to create a truncated TTN protein. This variant is not present in population databases (gnomAD no frequency). This variant has not been reported in the literature in individuals affected with TTN-related conditions. ClinVar contains an entry for this variant (Variation ID: 1284309). This variant is located in the Z band of TTN (PMID: 25589632). Truncating variants in this region have been reported in individuals affected with autosomal recessive centronuclear myopathy (PMID: 33449170, Invitae internal data). Truncating variants in this region have also been identified in individuals affected with autosomal dominant dilated cardiomyopathy and/or cardio-related conditions (PMID: 27869827, 32964742, Invitae internal data). In summary, the currently available evidence indicates that the variant is pathogenic, but additional data are needed to prove that conclusively. Therefore, this variant has been classified as Likely Pathogenic.

Clinical Genetics, Academic Medical Center
Classification: Likely pathogenic. Review status: no assertion criteria provided. Collection method: clinical testing. Allele origin: germline. Affected: yes. Study: VKGL Data-share Consensus. Not counted in ClinVar's aggregate classification.

Diagnostic Laboratory, Department of Genetics, University Medical Center Groningen
Classification: Likely pathogenic. Review status: no assertion criteria provided. Collection method: clinical testing. Allele origin: germline. Affected: yes. Study: VKGL Data-share Consensus. Not counted in ClinVar's aggregate classification.

Literature cited by the submitters: PubMed 25589632 (cited by Labcorp Genetics (formerly Invitae), Labcorp); PubMed 33449170 (cited by Labcorp Genetics (formerly Invitae), Labcorp); PubMed 27869827 (cited by Labcorp Genetics (formerly Invitae), Labcorp); PubMed 32964742 (cited by Labcorp Genetics (formerly Invitae), Labcorp).